The following is an entry in ClinVar:

ClinVar aggregate classification (germline): Likely pathogenic (1 of 4 stars; one submission).

Conditions:
Mucopolysaccharidosis, MPS-IV-A (MPS4A). Also called: Mucopolysaccharidosis type IV A; Mucopolysaccharidosis Type IVA; Morquio syndrome A, mild; MORQUIO SYNDROME A; MPS IVA; mucopolysaccharidosis type 4A. Identifiers: Orphanet 309297, Orphanet 582, MedGen C0086651, MONDO:0009659, OMIM 253000.

Submission:

Laboratory of Diagnosis and Therapy of Lysosomal Disorders, University of Padova
Classification: Likely pathogenic for Mucopolysaccharidosis, MPS-IV-A. Last evaluated: 2021-02-01. Review status: criteria provided, single submitter. Criteria: ACMG Guidelines, 2015. Collection method: curation. Allele origin: germline. Affected: yes.
Comment: Splicing variant in canonical site (PVS1_very strong); absent from gnomAD v2.1.1 (PM2_moderate)

Literature cited by the submitters: PubMed 24120057; PubMed 34387910.

NM_000512.5(GALNS):c.1003-2A>C

Gene: GALNS (galactosamine (N-acetyl)-6-sulfatase; minus strand). Cytogenetic location: 16q24.3.
Variant type: single nucleotide variant.
Coding change: c.1003-2A>C on transcript NM_000512.5 (MANE Select); the canonical splice acceptor site of the intron before coding-DNA position 1003, A replaced by C.
Molecular consequence: splice acceptor variant.
Genome position (GRCh38, 1-based): chr16:88,826,840, T>G on the plus strand (A>C on the coding strand, the complement: GALNS is on the minus strand). VCF-style: chr16-88826840-T-G. GRCh37 (hg19) VCF-style: chr16-88893248-T-G.
Other names: c.448-2A>C (NM_001323543.2); c.1021-2A>C (NM_001323544.2).
Identifiers: ClinVar variation 1048433 (VCV001048433.3), dbSNP rs1344555845, ClinGen allele CA397098744.